The following is an entry in ClinVar:

ClinVar aggregate classification (germline): Uncertain significance. Review status: criteria provided, single submitter (1 of 4 stars). 2 submissions from 2 submitters: Uncertain significance (1). 1 of the submissions does not count toward it. Last evaluated 2024-05-10.

Conditions:
Ullrich congenital muscular dystrophy 2 (UCMD2). Identifiers: Orphanet 75840, MedGen C4225314, MONDO:0014654, OMIM 616470.
Bethlem myopathy 2 (BTHLM2). Identifiers: Orphanet 536516, Orphanet 610, MedGen C4225313, MONDO:0034022, OMIM 616471.

Submissions (2):

Labcorp Genetics (formerly Invitae), Labcorp
Classification: Uncertain significance for Bethlem myopathy 2; Ullrich congenital muscular dystrophy 2. Last evaluated: 2024-05-10. Review status: criteria provided, single submitter. Criteria: Invitae Variant Classification Sherloc (09022015). Collection method: clinical testing. Allele origin: germline.
Comment: This sequence change creates a premature translational stop signal (p.Glu1132Glyfs*8) in the COL12A1 gene. Multiple COL12A1 isoforms have been reported, and the functional impact of this variant is uncertain (PMID: 8601036). This variant is not present in population databases (gnomAD no frequency). This variant has not been reported in the literature in individuals affected with COL12A1-related conditions. In summary, the available evidence is currently insufficient to determine the role of this variant in disease. Therefore, it has been classified as a Variant of Uncertain Significance.

Diagnostics Centre, Carl Von Ossietzky University Oldenburg
Classification: Likely pathogenic. Last evaluated: 2025-07-31. Review status: no assertion criteria provided. Collection method: clinical testing. Allele origin: germline. Affected: yes. Observed: 1 variant allele. Not counted in ClinVar's aggregate classification.
Comment: The variant COL12A1:c.3394dup p.(Glu1132Glyfs*8), located in the exon 16 of the COL12A1 gene results from the insertion of a cytosine at nucleotide position c.3394. The change results in a frameshift at protein position 1132 and the formation of a premature stop codon after eight amino acids. The variant affects an exon [16/66] present in a biologically relevant transcript and is predicted to cause protein truncation/absent due to nonsense mediated decay, in a gene where loss-of-function is a known mechanism of disease. The variant has not yet been described in ClinVar or in any publications known to us. The variant is classified as very rare since it is absent in gnomAD v4.1.0. In summary, the variant is classified as Likely pathogenic.

Literature cited by the submitters: PubMed 8601036 (cited by Labcorp Genetics (formerly Invitae), Labcorp).

NM_004370.6(COL12A1):c.3394dup (p.Glu1132fs)

Gene: COL12A1 (collagen type XII alpha 1 chain; minus strand). Cytogenetic location: 6q13.
Variant type: Duplication.
Coding change: c.3394dup on transcript NM_004370.6 (MANE Select); coding-DNA position 3394, one base duplicated (G; older notation c.3394dupG).
Protein change: p.Glu1132fs; shifts the reading frame from glutamic acid 1132.
Molecular consequence: frameshift variant. On other transcripts: intron variant (2).
Genome position (GRCh38, 1-based): chr6:75,155,711, C duplicated on the plus strand (G on the coding strand, the reverse complement: COL12A1 is on the minus strand); the first of 5 consecutive C bases (chr6:75,155,711-75,155,715); duplicating any one gives the same sequence. VCF-style (leftmost placement, unchanged base first): chr6-75155710-T-TC. GRCh37 (hg19) VCF-style: chr6-75865426-T-TC.
Other names: c.3394dup, p.Glu1132fs (NM_001424113.1, NM_001424114.1); c.3121dup, p.Glu1041fs (NM_001424115.1); c.74-3229dup (NM_001424116.1, NM_080645.3); short protein forms E1041fs, E1132fs.
Identifiers: ClinVar variation 3756293 (VCV003756293.3).
Genomic context (GRCh38, chr6:75,155,710, plus strand): 5'-GTTAATTCCTACCTAAGTTCCTCCAAAACAACTGTGTTGTCATAGGGTCCAACCACTAAC[T>TC]CCCCCAGTCTTCTGTCATCCCCCGTAGGGTGGAATGTGACTTTATAACCCTTCACTTCCC-3'